The following is an entry in ClinVar:

ClinVar aggregate classification (germline): Uncertain significance (1 of 4 stars; one submission).

Conditions:
PCNT-related disorder. Also called: PCNT-related condition.

Submission:

PreventionGenetics, part of Exact Sciences
Classification: Uncertain significance for PCNT-related condition. Last evaluated: 2025-11-24. Review status: criteria provided, single submitter. Criteria: ACMG Guidelines, 2015. Collection method: clinical testing. Allele origin: germline.
Comment: The PCNT c.8512G>A variant is predicted to result in the amino acid substitution p.Glu2838Lys. To our knowledge, this variant has not been reported in the literature or in a large population database (gnomAD), indicating this variant is rare. At this time, the clinical significance of this variant is uncertain due to the absence of conclusive functional and genetic evidence.

NM_006031.6(PCNT):c.8512G>A (p.Glu2838Lys)

Gene: PCNT (pericentrin; plus strand). Cytogenetic location: 21q22.3.
Variant type: single nucleotide variant.
Coding change: c.8512G>A on transcript NM_006031.6 (MANE Select); coding-DNA position 8512, G replaced by A.
Protein change: p.Glu2838Lys; replaces glutamic acid 2838 with lysine.
Molecular consequence: missense variant.
Genome position (GRCh38, 1-based): chr21:46,431,976, G>A. VCF-style: chr21-46431976-G-A. GRCh37 (hg19) VCF-style: chr21-47851890-G-A.
Other names: c.8158G>A, p.Glu2720Lys (NM_001315529.2); short protein forms E2720K, E2838K.
Identifiers: ClinVar variation 4983208 (VCV004983208.1).